The following is an entry in ClinVar:

ClinVar aggregate classification (germline): Uncertain significance. Review status: criteria provided, multiple submitters, no conflicts (2 of 4 stars). 2 submissions from 2 submitters: Uncertain significance (2). Last evaluated 2024-06-20.

Conditions:
Autoinflammation with arthritis and dyskeratosis (AIADK). Identifiers: MedGen C4479278, MONDO:0060457, OMIM 617388.

Submissions (2):

Revvity Omics, Revvity
Classification: Uncertain significance. Last evaluated: 2024-06-20. Review status: criteria provided, single submitter. Criteria: ACMG Guidelines, 2015. Collection method: clinical testing. Allele origin: germline.

3billion
Classification: Uncertain significance for Autoinflammation with arthritis and dyskeratosis. Last evaluated: 2023-02-23. Review status: criteria provided, single submitter. Criteria: ACMG Guidelines, 2015. Collection method: clinical testing. Allele origin: unknown. Affected: yes.
Comment: The variant is not observed in the gnomAD v2.1.1 dataset. Missense changes are a common disease-causing mechanism. In silico tool predictions suggest no damaging effect of the variant on gene or gene product (REVEL: 0.12; 3Cnet: 0.06). The evidence of pathogenicity is insufficient at this time.Therefore, this variant is classified as VUS according to the recommendation of ACMG/AMP guideline.

NM_033004.4(NLRP1):c.3568G>A (p.Glu1190Lys)

Gene: NLRP1 (NLR family pyrin domain containing 1; minus strand). Cytogenetic location: 17p13.2.
Variant type: single nucleotide variant.
Coding change: c.3568G>A on transcript NM_033004.4 (MANE Select); coding-DNA position 3568, G replaced by A.
Protein change: p.Glu1190Lys; replaces glutamic acid 1190 with lysine.
Molecular consequence: missense variant.
Genome position (GRCh38, 1-based): chr17:5,521,739, C>T on the plus strand (G>A on the coding strand, the complement: NLRP1 is on the minus strand). VCF-style: chr17-5521739-C-T. GRCh37 (hg19) VCF-style: chr17-5425059-C-T.
Other names: c.3580G>A, p.Glu1194Lys (NM_001033053.3); c.3568G>A, p.Glu1190Lys (NM_014922.5); c.3478G>A, p.Glu1160Lys (NM_033006.4, NM_033007.4); short protein forms E1160K, E1190K, E1194K.
Identifiers: ClinVar variation 2444316 (VCV002444316.2), dbSNP rs1908930461, ClinGen allele CA397389404.